The following is an entry in ClinVar:

ClinVar aggregate classification (germline): Uncertain significance. Review status: criteria provided, multiple submitters, no conflicts (2 of 4 stars). 3 submissions from 3 submitters: Uncertain significance (2). 1 of the submissions does not count toward it. Last evaluated 2025-07-16.

Conditions:
Autosomal recessive severe congenital neutropenia due to CSF3R deficiency. Also called: Neutropenia, severe congenital, 7, autosomal recessive. Identifiers: Orphanet 420702, MedGen C4310764, MONDO:0014865, OMIM 617014.
Inborn genetic diseases. Identifiers: MedGen C0950123, MeSH D030342.

Allele frequency attached by ClinVar (database versions not stated): ExAC 0.00002; gnomAD exomes 0.00003; gnomAD 0.00004 and 0.00005; TOPMed 0.00004.

Submissions (3):

Labcorp Genetics (formerly Invitae), Labcorp
Classification: Uncertain significance for Autosomal recessive severe congenital neutropenia due to CSF3R deficiency. Last evaluated: 2025-07-16. Review status: criteria provided, single submitter. Criteria: Invitae Variant Classification Sherloc (09022015). Collection method: clinical testing. Allele origin: germline.
Comment: This sequence change replaces arginine, which is basic and polar, with tryptophan, which is neutral and slightly polar, at codon 343 of the CSF3R protein (p.Arg343Trp). This variant is present in population databases (rs752325760, gnomAD 0.006%). This variant has not been reported in the literature in individuals affected with CSF3R-related conditions. ClinVar contains an entry for this variant (Variation ID: 542859). Invitae Evidence Modeling of protein sequence and biophysical properties (such as structural, functional, and spatial information, amino acid conservation, physicochemical variation, residue mobility, and thermodynamic stability) indicates that this missense variant is not expected to disrupt CSF3R protein function with a negative predictive value of 80%. In summary, the available evidence is currently insufficient to determine the role of this variant in disease. Therefore, it has been classified as a Variant of Uncertain Significance.

Ambry Genetics
Classification: Uncertain significance for Inborn genetic diseases. Last evaluated: 2023-06-05. Review status: criteria provided, single submitter. Criteria: Ambry Variant Classification Scheme 2023. Collection method: clinical testing. Allele origin: germline.

Genetic Services Laboratory, University of Chicago
Classification: Uncertain significance. Last evaluated: 2022-11-25. Review status: no assertion criteria provided. Collection method: clinical testing. Allele origin: germline. Affected: no. Not counted in ClinVar's aggregate classification.
Comment: DNA sequence analysis of the CSF3R gene demonstrated a sequence change, c.1027C>T, in exon 9 that results in an amino acid change, p.Arg343Trp. This sequence change does not appear to have been previously described in individuals with CSF3R-related disorders. This sequence change has been described in the gnomAD database with a frequency of 0.006% in the European subpopulation (dbSNP rs752325760). The p.Arg343Trp change affects a poorly conserved amino acid residue located in a domain of the CSF3R protein that is known to be functional. In-silico pathogenicity prediction tools (SIFT, PolyPhen2, Align GVGD, REVEL) provide contradictory results for the p.Arg343Trp substitution. Due to insufficient evidences and the lack of functional studies, the clinical significance of the p.Arg343Trp change remains unknown at this time.

NM_000760.4(CSF3R):c.1027C>T (p.Arg343Trp)

Gene: CSF3R (colony stimulating factor 3 receptor; minus strand). Cytogenetic location: 1p34.3.
Variant type: single nucleotide variant.
Coding change: c.1027C>T on transcript NM_000760.4 (MANE Select); coding-DNA position 1027, C replaced by T.
Protein change: p.Arg343Trp; replaces arginine 343 with tryptophan.
Molecular consequence: missense variant.
Genome position (GRCh38, 1-based): chr1:36,472,110, G>A on the plus strand (C>T on the coding strand, the complement: CSF3R is on the minus strand). VCF-style: chr1-36472110-G-A. GRCh37 (hg19) VCF-style: chr1-36937711-G-A.
Other names: c.1027C>T, p.Arg343Trp (LRG_144t1, NM_156039.3, NM_172313.3); short protein forms R343W.
Identifiers: ClinVar variation 542859 (VCV000542859.13), dbSNP rs752325760, ClinGen allele CA769301.